The following is an entry in ClinVar:

ClinVar aggregate classification (germline): Uncertain significance (1 of 4 stars; one submission).

Conditions:
Aortic aneurysm, familial thoracic 7 (AAT7). Also called: AORTIC DISSECTION, FAMILIAL, WITH OR WITHOUT AORTIC ANEURYSM. Identifiers: MedGen C3151077, MONDO:0013418, OMIM 613780.

Submission:

Labcorp Genetics (formerly Invitae), Labcorp
Classification: Uncertain significance for Aortic aneurysm, familial thoracic 7. Last evaluated: 2025-11-21. Review status: criteria provided, single submitter. Criteria: Invitae Variant Classification Sherloc (09022015). Collection method: clinical testing. Allele origin: germline.
Comment: This sequence change replaces glutamine, which is neutral and polar, with arginine, which is basic and polar, at codon 1265 of the MYLK protein (p.Gln1265Arg). This variant is not present in population databases (gnomAD no frequency). This variant has not been reported in the literature in individuals affected with MYLK-related conditions. Invitae Evidence Modeling of protein sequence and biophysical properties (such as structural, functional, and spatial information, amino acid conservation, physicochemical variation, residue mobility, and thermodynamic stability) indicates that this missense variant is not expected to disrupt MYLK protein function with a negative predictive value of 80%. In summary, the available evidence is currently insufficient to determine the role of this variant in disease. Therefore, it has been classified as a Variant of Uncertain Significance.

NM_053025.4(MYLK):c.3794A>G (p.Gln1265Arg)

Gene: MYLK (myosin light chain kinase; minus strand). Cytogenetic location: 3q21.1.
Variant type: single nucleotide variant.
Coding change: c.3794A>G on transcript NM_053025.4 (MANE Select); coding-DNA position 3794, A replaced by G.
Protein change: p.Gln1265Arg; replaces glutamine 1265 with arginine.
Molecular consequence: missense variant.
Genome position (GRCh38, 1-based): chr3:123,666,256, T>C on the plus strand (A>G on the coding strand, the complement: MYLK is on the minus strand). VCF-style: chr3-123666256-T-C. GRCh37 (hg19) VCF-style: chr3-123385103-T-C.
Other names: c.3266A>G, p.Gln1089Arg (NM_001321309.2); c.3587A>G, p.Gln1196Arg (NM_053026.4, NM_053028.4); c.3794A>G, p.Gln1265Arg (NM_053027.4); short protein forms Q1089R, Q1265R, Q1196R.
Identifiers: ClinVar variation 4741332 (VCV004741332.1).